The following is an entry in ClinVar:

NM_000062.3(SERPING1):c.1000C>T (p.His334Tyr)

Gene: SERPING1 (serpin family G member 1; plus strand). Cytogenetic location: 11q12.1.
Variant type: single nucleotide variant.
Coding change: c.1000C>T on transcript NM_000062.3 (MANE Select); coding-DNA position 1000, C replaced by T.
Protein change: p.His334Tyr; replaces histidine 334 with tyrosine.
Molecular consequence: missense variant.
Genome position (GRCh38, 1-based): chr11:57,606,518, C>T. VCF-style: chr11-57606518-C-T. GRCh37 (hg19) VCF-style: chr11-57373991-C-T.
Other names: c.1000C>T, p.His334Tyr (NM_001032295.2); short protein forms H334Y.
Identifiers: ClinVar variation 3160493 (VCV003160493.2), dbSNP rs1040836751, ClinGen allele CA223055493.
Genomic context (GRCh38, chr11:57,606,518, plus strand): 5'-CACTTCAAAAACTCAGTTATAAAAGTGCCCATGATGAATAGCAAGAAGTACCCTGTGGCC[C>T]ATTTCATTGACCAAACTTTGAAAGCCAAGGTAAGTTCTTAACCTTTCCTTCTCCTGTTTG-3'
Protein context (NP_000053.2, residues 324-344): MMNSKKYPVA[His334Tyr]FIDQTLKAKV

ClinVar aggregate classification (germline): Uncertain significance. Review status: criteria provided, multiple submitters, no conflicts (2 of 4 stars). 2 submissions from 2 submitters: Uncertain significance (2). Last evaluated 2025-04-11.

Conditions:
Inborn genetic diseases. Identifiers: MedGen C0950123, MeSH D030342.

Allele frequency attached by ClinVar (database versions not stated): gnomAD exomes below 0.00001; TOPMed 0.00001.

Submissions (2):

Labcorp Genetics (formerly Invitae), Labcorp
Classification: Uncertain significance. Last evaluated: 2025-04-11. Review status: criteria provided, single submitter. Criteria: Invitae Variant Classification Sherloc (09022015). Collection method: clinical testing. Allele origin: germline.
Comment: This sequence change replaces histidine, which is basic and polar, with tyrosine, which is neutral and polar, at codon 334 of the SERPING1 protein (p.His334Tyr). This variant is not present in population databases (gnomAD no frequency). This variant has not been reported in the literature in individuals affected with SERPING1-related conditions. ClinVar contains an entry for this variant (Variation ID: 3160493). Invitae Evidence Modeling of protein sequence and biophysical properties (such as structural, functional, and spatial information, amino acid conservation, physicochemical variation, residue mobility, and thermodynamic stability) has been performed for this missense variant. However, the output from this modeling did not meet the statistical confidence thresholds required to predict the impact of this variant on SERPING1 protein function. In summary, the available evidence is currently insufficient to determine the role of this variant in disease. Therefore, it has been classified as a Variant of Uncertain Significance.

Ambry Genetics
Classification: Uncertain significance for Inborn genetic diseases. Last evaluated: 2023-12-30. Review status: criteria provided, single submitter. Criteria: Ambry Variant Classification Scheme 2023. Collection method: clinical testing. Allele origin: germline.